The following is an entry in ClinVar:

NM_207341.4(ZP1):c.318+2T>C

Gene: ZP1 (zona pellucida glycoprotein 1; plus strand). Cytogenetic location: 11q12.2.
Variant type: single nucleotide variant.
Coding change: c.318+2T>C on transcript NM_207341.4 (MANE Select); the canonical splice donor site of the intron after coding-DNA position 318, T replaced by C.
Molecular consequence: splice donor variant.
Genome position (GRCh38, 1-based): chr11:60,869,268, T>C. VCF-style: chr11-60869268-T-C. GRCh37 (hg19) VCF-style: chr11-60636741-T-C.
Identifiers: ClinVar variation 5007883 (VCV005007883.2).
Genomic context (GRCh38, chr11:60,869,268, plus strand): 5'-GGCCGCAGGAGCCTGCAGTCTTCTCGGCCGATTACAGAGGCTGCCACGTGCTGGAGAAGG[T>C]AGGGGTTGTTCATGCTCTGGCACAGGGGCAAGCTTGTCCTAGTGTCATGTCAGGCTGAAG-3'

ClinVar aggregate classification (germline): Likely pathogenic (1 of 4 stars; one submission).

Conditions:
Female infertility due to zona pellucida defect (OZEMA1). Also called: OOCYTE/ZYGOTE/EMBRYO MATURATION ARREST 1; Oocyte maturation defect 1. Identifiers: Orphanet 404466, MedGen C4014291, MONDO:0014342, OMIM 615774.

Submission:

Juno Genomics, Hangzhou Juno Genomics, Inc
Classification: Likely pathogenic for Female infertility due to zona pellucida defect. Review status: criteria provided, single submitter. Criteria: ACMG Guidelines, 2015. Collection method: clinical testing. Allele origin: germline.
Comment: Null variant in a gene where loss of function (LOF) is a known mechanism of disease.;Absent from controls (or at extremely low frequency if recessive) in Genome Aggregation Database.